The following is an entry in ClinVar:

ClinVar aggregate classification (germline): Uncertain significance (1 of 4 stars; one submission).

Conditions:
Baller-Gerold syndrome (BGS). Also called: CRANIOSYNOSTOSIS WITH RADIAL DEFECTS. Identifiers: Orphanet 1225, MedGen C0265308, MONDO:0009039, OMIM 218600.

Allele frequency attached by ClinVar (database versions not stated): TOPMed 0.00001; ExAC 0.00002.

Submission:

Labcorp Genetics (formerly Invitae), Labcorp
Classification: Uncertain significance for Baller-Gerold syndrome. Last evaluated: 2023-06-09. Review status: criteria provided, single submitter. Criteria: Invitae Variant Classification Sherloc (09022015). Collection method: clinical testing. Allele origin: germline.
Comment: In summary, the available evidence is currently insufficient to determine the role of this variant in disease. Therefore, it has been classified as a Variant of Uncertain Significance. Advanced modeling of protein sequence and biophysical properties (such as structural, functional, and spatial information, amino acid conservation, physicochemical variation, residue mobility, and thermodynamic stability) performed at Invitae indicates that this missense variant is not expected to disrupt RECQL4 protein function. ClinVar contains an entry for this variant (Variation ID: 407040). This variant has not been reported in the literature in individuals affected with RECQL4-related conditions. The frequency data for this variant in the population databases is considered unreliable, as metrics indicate poor data quality at this position in the gnomAD database. This sequence change replaces leucine, which is neutral and non-polar, with phenylalanine, which is neutral and non-polar, at codon 904 of the RECQL4 protein (p.Leu904Phe).

NM_004260.4(RECQL4):c.2710C>T (p.Leu904Phe)

Gene: RECQL4 (RecQ like helicase 4; minus strand). Cytogenetic location: 8q24.3.
Variant type: single nucleotide variant.
Coding change: c.2710C>T on transcript NM_004260.4 (MANE Select); coding-DNA position 2710, C replaced by T.
Protein change: p.Leu904Phe; replaces leucine 904 with phenylalanine.
Molecular consequence: missense variant.
Genome position (GRCh38, 1-based): chr8:144,512,892, G>A on the plus strand (C>T on the coding strand, the complement: RECQL4 is on the minus strand). VCF-style: chr8-144512892-G-A. GRCh37 (hg19) VCF-style: chr8-145738275-G-A.
Other names: short protein forms L904F.
Identifiers: ClinVar variation 407040 (VCV000407040.8), dbSNP rs748437594, ClinGen allele CA4948141.